The following is an entry in ClinVar:

ClinVar aggregate classification (germline): Likely benign (1 of 4 stars; one submission).

Submission:

CeGaT Center for Human Genetics Tuebingen
Classification: Likely benign. Last evaluated: 2026-02-01. Review status: criteria provided, single submitter. Criteria: CeGaT Center For Human Genetics Tuebingen Variant Classification Criteria Version 2. Collection method: clinical testing. Allele origin: germline. Affected: yes. Observed: 2 variant alleles.
Comment: CEL: BP4, BP7

NM_001807.6(CEL):c.1980G>C (p.Pro660=)

Gene: CEL (carboxyl ester lipase; plus strand). Cytogenetic location: 9q34.13.
Variant type: single nucleotide variant.
Coding change: c.1980G>C on transcript NM_001807.6 (MANE Select); coding-DNA position 1980, G replaced by C.
Protein change: p.Pro660=; no amino-acid change (proline 660 retained).
Molecular consequence: synonymous variant.
Genome position (GRCh38, 1-based): chr9:133,071,482, G>C. VCF-style: chr9-133071482-G-C. GRCh37 (hg19) VCF-style: chr9-135946869-G-C.
Identifiers: ClinVar variation 3904969 (VCV003904969.10).